The following is an entry in ClinVar:

NM_000094.4(COL7A1):c.3115G>A (p.Glu1039Lys)

Gene: COL7A1 (collagen type VII alpha 1 chain; minus strand). Cytogenetic location: 3p21.31.
Variant type: single nucleotide variant.
Coding change: c.3115G>A on transcript NM_000094.4 (MANE Select); coding-DNA position 3115, G replaced by A.
Protein change: p.Glu1039Lys; replaces glutamic acid 1039 with lysine.
Molecular consequence: missense variant.
Genome position (GRCh38, 1-based): chr3:48,587,214, C>T on the plus strand (G>A on the coding strand, the complement: COL7A1 is on the minus strand). VCF-style: chr3-48587214-C-T. GRCh37 (hg19) VCF-style: chr3-48624647-C-T.
Other names: short protein forms E1039K.
Identifiers: ClinVar variation 3705926 (VCV003705926.2).

ClinVar aggregate classification (germline): Uncertain significance (1 of 4 stars; one submission).

gnomAD v4.1: 4 of 1,613,634 alleles (0.00025%); highest among the groups gnomAD compares: Middle Eastern, 0.016%; no homozygotes.

Submission:

Labcorp Genetics (formerly Invitae), Labcorp
Classification: Uncertain significance. Last evaluated: 2024-04-25. Review status: criteria provided, single submitter. Criteria: Invitae Variant Classification Sherloc (09022015). Collection method: clinical testing. Allele origin: germline.
Comment: This sequence change replaces glutamic acid, which is acidic and polar, with lysine, which is basic and polar, at codon 1039 of the COL7A1 protein (p.Glu1039Lys). This variant is present in population databases (rs776932495, gnomAD 0.002%). This variant has not been reported in the literature in individuals affected with COL7A1-related conditions. Advanced modeling of protein sequence and biophysical properties (such as structural, functional, and spatial information, amino acid conservation, physicochemical variation, residue mobility, and thermodynamic stability) performed at Invitae indicates that this missense variant is not expected to disrupt COL7A1 protein function with a negative predictive value of 95%. In summary, the available evidence is currently insufficient to determine the role of this variant in disease. Therefore, it has been classified as a Variant of Uncertain Significance.